The following is an entry in ClinVar:

ClinVar aggregate classification (germline): Uncertain significance. Review status: criteria provided, multiple submitters, no conflicts (2 of 4 stars). 2 submissions from 2 submitters: Uncertain significance (2). Last evaluated 2025-11-19.

Conditions:
TH-deficient dopa-responsive dystonia. Also called: Tyrosine Hydroxylase-Deficient Dopa-Responsive Dystonia; Segawa syndrome, autosomal recessive; DYT-TH. Identifiers: Orphanet 101150, MedGen C2673535, MONDO:0011551, OMIM 605407.
Inborn genetic diseases. Identifiers: MedGen C0950123, MeSH D030342.

gnomAD v4.1: 11 of 1,613,510 alleles (0.00068%); highest among the groups gnomAD compares: Non-Finnish European, 0.00085%; no homozygotes.

Submissions (2):

Ambry Genetics
Classification: Uncertain significance for Inborn genetic diseases. Last evaluated: 2025-11-19. Review status: criteria provided, single submitter. Criteria: Ambry Variant Classification Scheme 2023. Collection method: clinical testing. Allele origin: germline.

Labcorp Genetics (formerly Invitae), Labcorp
Classification: Uncertain significance for TH-deficient dopa-responsive dystonia. Last evaluated: 2025-02-24. Review status: criteria provided, single submitter. Criteria: Invitae Variant Classification Sherloc (09022015). Collection method: clinical testing. Allele origin: germline.
Comment: This sequence change replaces histidine, which is basic and polar, with tyrosine, which is neutral and polar, at codon 209 of the TH protein (p.His209Tyr). This variant is present in population databases (no rsID available, gnomAD 0.002%). This variant has not been reported in the literature in individuals affected with TH-related conditions. Invitae Evidence Modeling of protein sequence and biophysical properties (such as structural, functional, and spatial information, amino acid conservation, physicochemical variation, residue mobility, and thermodynamic stability) has been performed for this missense variant. However, the output from this modeling did not meet the statistical confidence thresholds required to predict the impact of this variant on TH protein function. In summary, the available evidence is currently insufficient to determine the role of this variant in disease. Therefore, it has been classified as a Variant of Uncertain Significance.

NM_000360.4(TH):c.532C>T (p.His178Tyr)

Gene: TH (tyrosine hydroxylase; minus strand). Cytogenetic location: 11p15.5.
Variant type: single nucleotide variant.
Coding change: c.532C>T on transcript NM_000360.4 (MANE Select); coding-DNA position 532, C replaced by T.
Protein change: p.His178Tyr; replaces histidine 178 with tyrosine.
Molecular consequence: missense variant.
Genome position (GRCh38, 1-based): chr11:2,168,135, G>A on the plus strand (C>T on the coding strand, the complement: TH is on the minus strand). VCF-style: chr11-2168135-G-A. GRCh37 (hg19) VCF-style: chr11-2189365-G-A.
Other names: c.544C>T, p.His182Tyr (NM_001440536.1, NM_001440535.1); c.532C>T, p.His178Tyr (NM_001440537.1); c.625C>T, p.His209Tyr (NM_199292.3); c.613C>T, p.His205Tyr (NM_199293.3); short protein forms H178Y, H182Y, H209Y, H205Y.
Identifiers: ClinVar variation 4633094 (VCV004633094.2).